The following is an entry in ClinVar:

NM_015259.6(ICOSLG):c.647G>A (p.Cys216Tyr)

Gene: ICOSLG (inducible T cell costimulator ligand; minus strand). Cytogenetic location: 21q22.3.
Variant type: single nucleotide variant.
Coding change: c.647G>A on transcript NM_015259.6 (MANE Select); coding-DNA position 647, G replaced by A.
Protein change: p.Cys216Tyr; replaces cysteine 216 with tyrosine.
Molecular consequence: missense variant.
Genome position (GRCh38, 1-based): chr21:44,235,322, C>T on the plus strand (G>A on the coding strand, the complement: ICOSLG is on the minus strand). VCF-style: chr21-44235322-C-T. GRCh37 (hg19) VCF-style: chr21-45655205-C-T.
Other names: c.647G>A, p.Cys216Tyr (NM_001283050.2, NM_001395918.1); c.296G>A, p.Cys99Tyr (NM_001283051.2); c.392G>A, p.Cys131Tyr (NM_001283052.2); c.566G>A, p.Cys189Tyr (NM_001365759.2); short protein forms C131Y, C216Y, C99Y, C189Y.
Identifiers: ClinVar variation 3697645 (VCV003697645.2).
Genomic context (GRCh38, chr21:44,235,322, plus strand): 5'-GGGACCTTACCTGTCTGGCTGCCGACAGTCAGGTTCTGCTGCAGAAGCACGTTCTCTATG[C>T]AGCAGCCAATGTTCACGCTGGGGGTCCGTGCGATCCTCAGCACGCTGACCACGTCATACA-3'
Protein context (NP_056074.1, residues 206-226): ARTPSVNIGC[Cys216Tyr]IENVLLQQNL

ClinVar aggregate classification (germline): Uncertain significance (1 of 4 stars; one submission).

Submission:

Labcorp Genetics (formerly Invitae), Labcorp
Classification: Uncertain significance. Last evaluated: 2024-08-05. Review status: criteria provided, single submitter. Criteria: Invitae Variant Classification Sherloc (09022015). Collection method: clinical testing. Allele origin: germline.
Comment: This sequence change replaces cysteine, which is neutral and slightly polar, with tyrosine, which is neutral and polar, at codon 216 of the ICOSLG protein (p.Cys216Tyr). This variant is present in population databases (rs747215145, gnomAD 0.002%). This variant has not been reported in the literature in individuals affected with ICOSLG-related conditions. An algorithm developed to predict the effect of missense changes on protein structure and function (PolyPhen-2) suggests that this variant is likely to be disruptive. In summary, the available evidence is currently insufficient to determine the role of this variant in disease. Therefore, it has been classified as a Variant of Uncertain Significance.